The following is an entry in ClinVar:

NM_020975.6(RET):c.1853G>C (p.Cys618Ser)

Gene: RET (ret proto-oncogene; plus strand). Cytogenetic location: 10q11.21.
Variant type: single nucleotide variant.
Coding change: c.1853G>C on transcript NM_020975.6 (MANE Select); coding-DNA position 1853, G replaced by C.
Protein change: p.Cys618Ser; replaces cysteine 618 with serine.
Molecular consequence: missense variant.
Genome position (GRCh38, 1-based): chr10:43,113,649, G>C. VCF-style: chr10-43113649-G-C. GRCh37 (hg19) VCF-style: chr10-43609097-G-C.
Other names: p.C618S:TGC>TCC; c.1853G>C, p.Cys618Ser (NM_000323.2, NM_001406743.1, NM_001406744.1 and 6 more transcripts); c.1091G>C, p.Cys364Ser (NM_001355216.2); c.1724G>C, p.Cys575Ser (NM_001406761.1, NM_001406762.1, NM_001406764.1 and 1 more transcripts); c.1565G>C, p.Cys522Ser (NM_001406766.1, NM_001406767.1, NM_001406770.1); c.1457G>C, p.Cys486Ser (NM_001406769.1, NM_001406772.1); c.1415G>C, p.Cys472Ser (NM_001406771.1, NM_001406773.1); c.956G>C, p.Cys319Ser (NM_001406782.1, NM_001406787.1, NM_001406779.1 and 2 more transcripts); and 6 more; short protein forms C618S, C364S, C223S, C276S, C288S, C443S, C486S, C376S.
Identifiers: ClinVar variation 13914 (VCV000013914.41), dbSNP rs79781594, ClinGen allele CA008013.
Genomic context (GRCh38, chr10:43,113,649, plus strand): 5'-AGCCCCGGGGGATTAAAGCTGGCTATGGCACCTGCAACTGCTTCCCTGAGGAGGAGAAGT[G>C]CTTCTGCGAGCCCGAAGACATCCAGGGTGAGTGGGTGGCGGCCGGGACCACCACCACCTC-3'
Protein context (NP_066124.1, residues 608-628): TCNCFPEEEK[Cys618Ser]FCEPEDIQDP

ClinVar aggregate classification (germline): Pathogenic. Review status: criteria provided, multiple submitters, no conflicts (2 of 4 stars). 18 submissions from 17 submitters: Pathogenic (13). 5 of the submissions do not count toward it. Last evaluated 2025-12-08.

Conditions:
RET-related disorder. Also called: RET-related disorders; RET-related condition; RET-related disease.
Hereditary cancer-predisposing syndrome. Also called: Neoplastic Syndromes, Hereditary; Tumor predisposition; Hereditary Cancer Syndrome; Hereditary neoplastic syndrome. Identifiers: Orphanet 140162, MedGen C0027672, MeSH D009386, MONDO:0015356.
Multiple endocrine neoplasia, type 2 (MEN2). Identifiers: Orphanet 653, MedGen C4048306, MONDO:0019003. Disease mechanism: gain of function.
Multiple endocrine neoplasia type 2A. Also called: Multiple Endocrine Neoplasia Type 2A (MEN2A); MULTIPLE ENDOCRINE NEOPLASIA, TYPE IIA; PTC SYNDROME; SIPPLE SYNDROME; MEN 2A; MEN-2A syndrome. Identifiers: Orphanet 247698, Orphanet 653, MedGen C0025268, MeSH D018813, MONDO:0008234, OMIM 171400.
Familial medullary thyroid carcinoma (MTC). Also called: Thyroid cancer, familial medullary; MTC, familial; Familial Medullary Thyroid Carcinoma (FMTC). Identifiers: Orphanet 653, Orphanet 99361, MedGen C1833921, MONDO:0007958, OMIM 155240.

Submissions 1 to 7 of 18:

Ambry Genetics
Classification: Pathogenic for Hereditary cancer-predisposing syndrome. Last evaluated: 2025-12-08. Review status: criteria provided, single submitter. Criteria: Ambry Variant Classification Scheme 2023. Collection method: clinical testing. Allele origin: germline.
Comment: The p.C618S pathogenic mutation (also known as c.1853G>C), located in coding exon 10 of the RET gene, results from a G to C substitution at nucleotide position 1853. The cysteine at codon 618 is replaced by serine, an amino acid with dissimilar properties. This variant was reported in individual(s) with features consistent with multiple endocrine neoplasia type 2 (MEN2) (Landsvater RM et al. Hum Genet. 1996 Jan;97(1):11-4; Elisei R et al. J. Clin. Endocrinol. Metab. 2007 Dec;92(12):4725-9; Jung J et al. J. Korean Med. Sci. 2010 Feb;25(2):226-9; Frank-Raue K et al. Hum. Mutat. 2011 Jan;32(1):51-8; Hedayati M et al. J. Thyroid Res. 2011 Jun;2011:264248; Qi XP et al. Fam. Cancer 2012 Mar;11(1):131-6). This variant has been classified as conferring "moderate risk" for MTC by the American Thyroid Association (Wells SA et al. Thyroid 2015 Jun; 25(6):567-610). In addition, this alteration is predicted to be deleterious by in silico analysis. Furthermore, several other pathogenic mutations have been reported at this same codon: p.C618F, p.C618G, p.C618R, and p.C618Y. This variant is considered to be rare based on population cohorts in the Genome Aggregation Database (gnomAD). Based on the supporting evidence, this alteration is pathogenic for MEN2; however, the association of this alteration with Hirschsprung disease is unknown.

Labcorp Genetics (formerly Invitae), Labcorp
Classification: Pathogenic for Multiple endocrine neoplasia, type 2. Last evaluated: 2025-12-02. Review status: criteria provided, single submitter. Criteria: Invitae Variant Classification Sherloc (09022015). Collection method: clinical testing. Allele origin: germline.
Comment: This sequence change replaces cysteine, which is neutral and slightly polar, with serine, which is neutral and polar, at codon 618 of the RET protein (p.Cys618Ser). This variant is not present in population databases (gnomAD no frequency). This missense change has been observed in individual(s) with medullary thyroid carcinoma (MTC) and multiple endocrine neoplasia type 2A (PMID: 7915165, 9384613, 9498388, 9839497, 20979234, 22068382). It has also been observed to segregate with disease in related individuals. This variant is also known as p.Cys364Ser. ClinVar contains an entry for this variant (Variation ID: 13914). An algorithm developed to predict the effect of missense changes on protein structure and function (PolyPhen-2) suggests that this variant is likely to be tolerated. Experimental studies have shown that this missense change affects RET function (PMID: 9230192). This variant disrupts the p.Cys618 amino acid residue in RET. Other variant(s) that disrupt this residue have been determined to be pathogenic (PMID: 8099202, 9498388, 9839497, 20979234, 22068382, 25628771). This suggests that this residue is clinically significant, and that variants that disrupt this residue are likely to be disease-causing. For these reasons, this variant has been classified as Pathogenic.

ARUP Laboratories, Molecular Genetics and Genomics, ARUP Laboratories
Classification: Pathogenic. Last evaluated: 2025-05-08. Review status: criteria provided, single submitter. Criteria: ARUP Molecular Germline Variant Investigation Process 2024. Collection method: clinical testing. Allele origin: germline.
Comment: The RET c.1853G>C; p.Cys618Ser variant (rs79781594) has been described in the literature in several families with medullary thyroid cancer (MTC) and multiple endocrine neoplasia type 2A (MEN2A) (Decker 1998a, Decker 1998b, Egawa 1998, Frank-Raue 2011). Individuals with this variant show age-related penetrance for MTC and pheochromocytoma, and variants in this codon confer a moderate risk for developing MTC (Frank-Raue 2011, Wells 2015). The variant is described in the ClinVar database (Variation ID: 13914) but is absent from the Genome Aggregation Database (v2.1.1), indicating it is not a common polymorphism. Computational analyses predict that this variant is deleterious (REVEL: 0.939). This variant lies within a cysteine rich domain; pathogenic variants resulting in the loss of a cysteine residue are common in these repeats and are predicted to disrupt protein structure, resulting in aberrant activation of the RET protein (Amoresano 2005, Chappuis-Flament 1998, Ito 1997). Based on available information, this variant is classified as pathogenic. REFERNECES Amoresano A et al. Direct interactions among Ret, GDNF and GFRalpha1 molecules reveal new insights into the assembly of a functional three-protein complex. Cell Signal. 2005 Jun;17(6):717-27. PMID: 15722196. Chappuis-Flament S et al. Dual effect on the RET receptor of MEN 2 mutations affecting specific extracytoplasmic cysteines. Oncogene. 1998 Dec 3;17(22):2851-61. PMID: 9879991. Decker RA et al. Hirschsprung disease in MEN 2A: increased spectrum of RET exon 10 genotypes and strong genotype-phenotype correlation. Hum Mol Genet. 1998 Jan;7(1):129-34. PMID: 9384613. Decker RA et al. Occurrence of MEN 2a in familial Hirschsprung's disease: a new indication for genetic testing of the RET proto-oncogene. J Pediatr Surg. 1998 Feb;33(2):207-14. PMID: 9498388. Egawa S et al. Genotype-phenotype correlation of patients with multiple endocrine neoplasia type 2 in Japan. Jpn J Clin Oncol. 1998 Oct;28(10):590-6. PMID: 9839497. Frank-Raue K et al. Risk profiles and penetrance estimations in multiple endocrine neoplasia type 2A caused by germline RET mutations located in exon 10. Hum Mutat. 2011 Jan;32(1):51-8. PMID: 20979234. Ito S et al. Biological properties of Ret with cysteine mutations correlate with multiple endocrine neoplasia type 2A, familial medullary thyroid carcinoma, and Hirschsprung's disease phenotype. Cancer Res. 1997 Jul 15;57(14):2870-2. PMID: 9230192. Wells SA et al. Revised American Thyroid Association guidelines for the management of medullary thyroid carcinoma. Thyroid. 2015 Jun;25(6):567-610. PMID: 25810047.

Molecular Pathology, Peter Maccallum Cancer Centre
Classification: Pathogenic for Multiple endocrine neoplasia, type 2. Last evaluated: 2025-03-07. Review status: criteria provided, single submitter. Criteria: ACMG Guidelines, 2015. Collection method: clinical testing. Allele origin: germline. Inheritance: Autosomal dominant inheritance.

Center for Genomic Medicine, Rigshospitalet, Copenhagen University Hospital
Classification: Pathogenic. Last evaluated: 2025-03-04. Review status: criteria provided, single submitter. Criteria: ACMG Guidelines, 2015. Collection method: clinical testing. Allele origin: germline.

All of Us Research Program, National Institutes of Health
Classification: Pathogenic for Multiple endocrine neoplasia, type 2. Last evaluated: 2024-03-14. Review status: criteria provided, single submitter. Criteria: ACMG Guidelines, 2015. Collection method: clinical testing. Allele origin: germline. Inheritance: Autosomal dominant inheritance. Observed: 1 variant allele, 1 heterozygote.
Comment: This missense variant replaces cysteine with serine at codon 618 of the RET protein. Computational prediction suggests that this variant may have deleterious impact on protein structure and function (internally defined REVEL score threshold >= 0.7, PMID: 27666373). This variant has been reported in more than 10 individuals affected with medullary thyroid carcinoma and/or multiple endocrine neoplasia type 2A (PMID: 22068382, 7915165, 8557249, 9384613, 9498388, 20979234, 31471357). It has been shown that p.Cys618Ser segregates with disease in 9 individuals in 1 family (PMID: 22068382). This variant has not been identified in the general population by the Genome Aggregation Database (gnomAD). Different variants affecting the same codon, c.1852T>A (p.Cys618Ser), c.1852T>C (p.Cys618Arg), c.1852T>G (p.Cys618Gly), c.1853G>T (p.Cys618Phe), and c.1853G>A (p.Cys618Tyr), are well-documented pathogenic variants (ClinVar Variation ID: 38601,13929, 13905, 24902, 24901), indicating that Cys at this position is important for RET protein function. Based on the available evidence, this variant is classified as Pathogenic.

This study involves interpretation of variants in research participants for the purpose of population health screening. Participant phenotype was not available at the time of variant classification. Additional details can be found in publication PMID: 35346344, PMCID: PMC8962531

Mayo Clinic Laboratories, Mayo Clinic
Classification: Pathogenic. Last evaluated: 2023-12-29. Review status: criteria provided, single submitter. Criteria: ACMG Guidelines, 2015. Collection method: clinical testing. Allele origin: germline. Observed: 2 variant alleles.
Comment: PP1, PP3, PP5, PM1, PM2_moderate, PM5, PS3, PS4